The following is an entry in ClinVar:

NM_000135.4(FANCA):c.2908T>C (p.Ser970Pro)

Gene: FANCA (FA complementation group A; minus strand). Cytogenetic location: 16q24.3.
Variant type: single nucleotide variant.
Coding change: c.2908T>C on transcript NM_000135.4 (MANE Select); coding-DNA position 2908, T replaced by C.
Protein change: p.Ser970Pro; replaces serine 970 with proline.
Molecular consequence: missense variant.
Genome position (GRCh38, 1-based): chr16:89,758,650, A>G on the plus strand (T>C on the coding strand, the complement: FANCA is on the minus strand). VCF-style: chr16-89758650-A-G. GRCh37 (hg19) VCF-style: chr16-89825058-A-G.
Other names: c.2908T>C, p.Ser970Pro (NM_001286167.3); short protein forms S970P.
Identifiers: ClinVar variation 2893724 (VCV002893724.4), dbSNP rs1212454276, ClinGen allele CA397431346.

ClinVar aggregate classification (germline): Uncertain significance. Review status: criteria provided, multiple submitters, no conflicts (2 of 4 stars). 2 submissions from 2 submitters: Uncertain significance (2). Last evaluated 2025-02-03.

Conditions:
Inborn genetic diseases. Identifiers: MedGen C0950123, MeSH D030342.
Fanconi anemia (FA). Also called: Fanconi's anemia. Identifiers: Orphanet 84, MedGen C0015625, MeSH D005199, MONDO:0019391.

Allele frequency attached by ClinVar (database versions not stated): gnomAD exomes below 0.00001; TOPMed 0.00002.
gnomAD v4.1: 1 of 1,614,074 alleles (0.000062%); highest among the groups gnomAD compares: Non-Finnish European, 0.000085%; no homozygotes.

Submissions (2):

Ambry Genetics
Classification: Uncertain significance for Inborn genetic diseases. Last evaluated: 2025-02-03. Review status: criteria provided, single submitter. Criteria: Ambry Variant Classification Scheme 2023. Collection method: clinical testing. Allele origin: germline.
Comment: The p.S970P variant (also known as c.2908T>C), located in coding exon 30 of the FANCA gene, results from a T to C substitution at nucleotide position 2908. The serine at codon 970 is replaced by proline, an amino acid with similar properties. This amino acid position is conserved. In addition, this alteration is predicted to be tolerated by in silico analysis. Based on the available evidence, the clinical significance of this variant remains unclear.

Labcorp Genetics (formerly Invitae), Labcorp
Classification: Uncertain significance for Fanconi anemia. Last evaluated: 2023-12-23. Review status: criteria provided, single submitter. Criteria: Invitae Variant Classification Sherloc (09022015). Collection method: clinical testing. Allele origin: germline.
Comment: This sequence change replaces serine, which is neutral and polar, with proline, which is neutral and non-polar, at codon 970 of the FANCA protein (p.Ser970Pro). This variant is present in population databases (no rsID available, gnomAD 0.0009%). This variant has not been reported in the literature in individuals affected with FANCA-related conditions. Advanced modeling of protein sequence and biophysical properties (such as structural, functional, and spatial information, amino acid conservation, physicochemical variation, residue mobility, and thermodynamic stability) performed at Invitae indicates that this missense variant is not expected to disrupt FANCA protein function with a negative predictive value of 80%. In summary, the available evidence is currently insufficient to determine the role of this variant in disease. Therefore, it has been classified as a Variant of Uncertain Significance.